The following is an entry in ClinVar:

NC_000010.11:g.(?_6012852)_(6064303_?)dup

Gene: IL2RA (interleukin 2 receptor subunit alpha; minus strand). Cytogenetic location: 10p15.1.
Variant type: Duplication.
Identifiers: ClinVar variation 831279 (VCV000831279.2).

ClinVar aggregate classification (germline): Uncertain significance (1 of 4 stars; one submission).

Conditions:
Immunodeficiency due to CD25 deficiency. Also called: CD25 DEFICIENCY; IL2RA DEFICIENCY; IMMUNODEFICIENCY 41 WITH LYMPHOPROLIFERATION AND AUTOIMMUNITY. Identifiers: Orphanet 169100, MedGen C1853392, MONDO:0011664, OMIM 606367.

Submission:

Labcorp Genetics (formerly Invitae), Labcorp
Classification: Uncertain significance for Interleukin 2 receptor, alpha, deficiency of. Last evaluated: 2019-09-10. Review status: criteria provided, single submitter. Criteria: Invitae Variant Classification Sherloc (09022015). Collection method: clinical testing. Allele origin: germline.
Comment: This variant results in a copy number gain of the genomic region encompassing the full coding sequence of the IL2RA gene. The boundaries of this event are unknown as they extend beyond the assayed region for this gene and therefore may encompass additional genes. As the precise location of this event is unknown, it may be in tandem or it may be located elsewhere in the genome. This variant has not been reported in the literature in individuals with IL2RA-related conditions. In summary, the available evidence is currently insufficient to determine the role of this variant in disease. Therefore, it has been classified as a Variant of Uncertain Significance.